The following is an entry in ClinVar:

ClinVar aggregate classification (germline): Uncertain significance. Review status: criteria provided, multiple submitters, no conflicts (2 of 4 stars). 2 submissions from 2 submitters: Uncertain significance (2). Last evaluated 2025-08-22.

Conditions:
Warts, hypogammaglobulinemia, infections, and myelokathexis. Also called: WHIM syndrome. Identifiers: MedGen C0472817, MONDO:0023880.

Allele frequency attached by ClinVar (database versions not stated): ExAC 0.00001; gnomAD exomes 0.00001.
gnomAD v4.1: 13 of 1,614,234 alleles (0.00081%); highest among the groups gnomAD compares: Admixed American, 0.005%; no homozygotes.

Submissions (2):

Labcorp Genetics (formerly Invitae), Labcorp
Classification: Uncertain significance for Warts, hypogammaglobulinemia, infections, and myelokathexis. Last evaluated: 2025-08-22. Review status: criteria provided, single submitter. Criteria: Invitae Variant Classification Sherloc (09022015). Collection method: clinical testing. Allele origin: germline.
Comment: This sequence change replaces threonine, which is neutral and polar, with methionine, which is neutral and non-polar, at codon 90 of the CXCR4 protein (p.Thr90Met). This variant is present in population databases (rs756830956, gnomAD 0.009%). This variant has not been reported in the literature in individuals affected with CXCR4-related conditions. ClinVar contains an entry for this variant (Variation ID: 1338067). An algorithm developed to predict the effect of missense changes on protein structure and function (PolyPhen-2) suggests that this variant is likely to be disruptive. In summary, the available evidence is currently insufficient to determine the role of this variant in disease. Therefore, it has been classified as a Variant of Uncertain Significance.

Genetic Services Laboratory, University of Chicago
Classification: Uncertain significance. Last evaluated: 2021-08-24. Review status: criteria provided, single submitter. Criteria: ACMG Guidelines, 2015. Collection method: clinical testing. Allele origin: germline. Affected: no.
Comment: DNA sequence analysis of the CXCR4 gene demonstrated a sequence change, c.269C>T, in exon 2 that results in an amino acid change, p.Thr90Met. This sequence change does not appear to have been previously described in patients with CXCR4-related disorders and has been described in the gnomAD databases at frequency of 0.0087% in the Latino/Admixed American subgroup (dbSNP rs756830956). The p.Thr90Met change affects a highly conserved amino acid residue located in a domain of the CXCR4 protein that is known to be functional. The p.Thr90Met substitution appears to be deleterious using several in-silico pathogenicity prediction tools (SIFT, PolyPhen2, Align GVGD, REVEL). Due to this insufficient evidence and the lack of functional studies, the clinical significance of the p.Thr90Met change remains unknown at this time.

NM_003467.3(CXCR4):c.269C>T (p.Thr90Met)

Gene: CXCR4 (C-X-C motif chemokine receptor 4; minus strand). Cytogenetic location: 2q22.1.
Variant type: single nucleotide variant.
Coding change: c.269C>T on transcript NM_003467.3 (MANE Select); coding-DNA position 269, C replaced by T.
Protein change: p.Thr90Met; replaces threonine 90 with methionine.
Molecular consequence: missense variant.
Genome position (GRCh38, 1-based): chr2:136,115,659, G>A on the plus strand (C>T on the coding strand, the complement: CXCR4 is on the minus strand). VCF-style: chr2-136115659-G-A. GRCh37 (hg19) VCF-style: chr2-136873229-G-A.
Other names: c.281C>T, p.Thr94Met (NM_001008540.2); c.482C>T, p.Thr161Met (NM_001348056.2); c.368C>T, p.Thr123Met (NM_001348059.2); c.224C>T, p.Thr75Met (NM_001348060.2); short protein forms T123M, T161M, T75M, T90M, T94M.
Identifiers: ClinVar variation 1338067 (VCV001338067.5), dbSNP rs756830956, ClinGen allele CA1890138.